The following is an entry in ClinVar:

ClinVar aggregate classification (germline): Likely pathogenic (1 of 4 stars; one submission).

gnomAD v4.1: 1 of 1,614,216 alleles (0.000062%); no homozygotes.

Submission:

Labcorp Genetics (formerly Invitae), Labcorp
Classification: Likely pathogenic. Last evaluated: 2022-05-20. Review status: criteria provided, single submitter. Criteria: Invitae Variant Classification Sherloc (09022015). Collection method: clinical testing. Allele origin: germline.
Comment: In summary, the currently available evidence indicates that the variant is pathogenic, but additional data are needed to prove that conclusively. Therefore, this variant has been classified as Likely Pathogenic. Algorithms developed to predict the effect of sequence changes on RNA splicing suggest that this variant may disrupt the consensus splice site. This variant has not been reported in the literature in individuals affected with USH2A-related conditions. This variant is not present in population databases (gnomAD no frequency). This sequence change affects a donor splice site in intron 70 of the USH2A gene. It is expected to disrupt RNA splicing. Variants that disrupt the donor or acceptor splice site typically lead to a loss of protein function (PMID: 16199547), and loss-of-function variants in USH2A are known to be pathogenic (PMID: 10729113, 10909849, 20507924, 25649381).

Literature cited by the submitters: PubMed 16199547; PubMed 10729113; PubMed 10909849; PubMed 20507924; PubMed 25649381.

NM_206933.4(USH2A):c.15297+1G>A

Gene: USH2A (usherin; minus strand). Cytogenetic location: 1q41.
Variant type: single nucleotide variant.
Coding change: c.15297+1G>A on transcript NM_206933.4 (MANE Select); the canonical splice donor site of the intron after coding-DNA position 15297, G replaced by A.
Molecular consequence: splice donor variant.
Genome position (GRCh38, 1-based): chr1:215,634,458, C>T on the plus strand (G>A on the coding strand, the complement: USH2A is on the minus strand). VCF-style: chr1-215634458-C-T. GRCh37 (hg19) VCF-style: chr1-215807800-C-T.
Identifiers: ClinVar variation 1996647 (VCV001996647.4), dbSNP rs767630412, ClinGen allele CA344823193.